The following is an entry in ClinVar:

ClinVar aggregate classification (germline): Likely benign. Review status: criteria provided, multiple submitters, no conflicts (2 of 4 stars). 2 submissions from 2 submitters: Likely benign (2). Last evaluated 2025-08-30.

Conditions:
Methylmalonic acidemia with homocystinuria, type cblX (MAHCX). Also called: INTELLECTUAL DEVELOPMENTAL DISORDER, X-LINKED 3. Identifiers: Orphanet 369962, MedGen C0796208, MONDO:0010657, OMIM 309541.

Allele frequency attached by ClinVar (database versions not stated): TOPMed below 0.00001; ExAC 0.00001; gnomAD 0.00001; gnomAD exomes 0.00003.

Submissions (2):

Labcorp Genetics (formerly Invitae), Labcorp
Classification: Likely benign for Methylmalonic acidemia with homocystinuria, type cblX. Last evaluated: 2025-08-30. Review status: criteria provided, single submitter. Criteria: Invitae Variant Classification Sherloc (09022015). Collection method: clinical testing. Allele origin: germline.

CeGaT Center for Human Genetics Tuebingen
Classification: Likely benign. Last evaluated: 2024-07-01. Review status: criteria provided, single submitter. Criteria: CeGaT Center For Human Genetics Tuebingen Variant Classification Criteria Version 2. Collection method: clinical testing. Allele origin: germline. Affected: yes. Observed: 1 variant allele.
Comment: HCFC1: BP4

NM_005334.3(HCFC1):c.5379+7C>T

Gene: HCFC1 (host cell factor C1; minus strand). Cytogenetic location: Xq28.
Variant type: single nucleotide variant.
Coding change: c.5379+7C>T on transcript NM_005334.3 (MANE Select); 7 bases into the intron after coding-DNA position 5379, C replaced by T.
Molecular consequence: intron variant.
Genome position (GRCh38, 1-based): chrX:153,951,582, G>A on the plus strand (C>T on the coding strand, the complement: HCFC1 is on the minus strand). VCF-style: chrX-153951582-G-A. GRCh37 (hg19) VCF-style: chrX-153217033-G-A.
Other names: c.5514+7C>T (NM_001410705.1).
Identifiers: ClinVar variation 2723896 (VCV002723896.22), dbSNP rs782468397, ClinGen allele CA10556808.
Genomic context (GRCh38, chrX:153,951,582, plus strand): 5'-CTCAGCACCTAGAGGCAGTGCTGCCCCCCAGGCCACGGACTCAGGAGCCCCAACACACCC[G>A]ACTCACCACACCCAGGGACTCGATGCCATTGGCCACTTCGGTCAGGGTAGCTGCAGCCTG-3'